The following is an entry in ClinVar:

ClinVar aggregate classification (germline): Likely benign (1 of 4 stars; one submission).

Conditions:
Malignant hyperthermia, susceptibility to, 5 (MHS5). Also called: CACNA1S-Related Malignant Hyperthermia Susceptibility. Identifiers: Orphanet 423, MedGen C1866077, MONDO:0011163, OMIM 601887.

Submission:

All of Us Research Program, National Institutes of Health
Classification: Likely benign for Malignant hyperthermia, susceptibility to, 5. Last evaluated: 2023-06-08. Review status: criteria provided, single submitter. Criteria: ACMG Guidelines, 2015. Collection method: clinical testing. Allele origin: germline. Inheritance: Autosomal dominant inheritance. Observed: 1 variant allele, 1 heterozygote.
Comment: This study involves interpretation of variants in research participants for the purpose of population health screening. Participant phenotype was not available at the time of variant classification. Additional details can be found in publication PMID: 35346344, PMCID: PMC8962531

NM_000069.3(CACNA1S):c.153-9T>C

Gene: CACNA1S (calcium voltage-gated channel subunit alpha1 S; minus strand). Cytogenetic location: 1q32.1.
Variant type: single nucleotide variant.
Coding change: c.153-9T>C on transcript NM_000069.3 (MANE Select); 9 bases into the intron before coding-DNA position 153, T replaced by C.
Molecular consequence: intron variant.
Genome position (GRCh38, 1-based): chr1:201,110,278, A>G on the plus strand (T>C on the coding strand, the complement: CACNA1S is on the minus strand). VCF-style: chr1-201110278-A-G. GRCh37 (hg19) VCF-style: chr1-201079406-A-G.
Identifiers: ClinVar variation 3071465 (VCV003071465.1), dbSNP rs2464692297, ClinGen allele CA2825000887.